The following is an entry in ClinVar:

NM_018389.5(SLC35C1):c.402C>T (p.Cys134=)

Gene: SLC35C1 (solute carrier family 35 member C1; plus strand). Cytogenetic location: 11p11.2.
Variant type: single nucleotide variant.
Coding change: c.402C>T on transcript NM_018389.5 (MANE Select); coding-DNA position 402, C replaced by T.
Protein change: p.Cys134=; no amino-acid change (cysteine 134 retained).
Molecular consequence: synonymous variant.
Genome position (GRCh38, 1-based): chr11:45,806,203, C>T. VCF-style: chr11-45806203-C-T. GRCh37 (hg19) VCF-style: chr11-45827754-C-T.
Other names: c.363C>T, p.Cys121= (NM_001145265.2, NM_001145266.2).
Identifiers: ClinVar variation 626020 (VCV000626020.11), dbSNP rs955606062, ClinGen allele CA221585394.

ClinVar aggregate classification (germline): Conflicting classifications of pathogenicity. Review status: criteria provided, conflicting classifications (1 of 4 stars). 2 submissions from 2 submitters: Uncertain significance (1); Likely benign (1). Last evaluated 2023-09-08.

Conditions:
Leukocyte adhesion deficiency type II. Also called: CDG IIc; CONGENITAL DISORDER OF GLYCOSYLATION, TYPE IIc; Congenital disorder of glycosylation type 2C; CDG 2C; Leukocyte adhesion deficiency type 2; Rambam Hasharon syndrome. Identifiers: Orphanet 2968, Orphanet 99843, MedGen C0398739, MONDO:0009953, OMIM 266265.

Allele frequency attached by ClinVar (database versions not stated): TOPMed 0.00001.

Submissions (2):

Labcorp Genetics (formerly Invitae), Labcorp
Classification: Likely benign for Leukocyte adhesion deficiency type II. Last evaluated: 2023-09-08. Review status: criteria provided, single submitter. Criteria: Invitae Variant Classification Sherloc (09022015). Collection method: clinical testing. Allele origin: germline.

Center for Genomics, Ann and Robert H. Lurie Children's Hospital of Chicago
Classification: Uncertain significance for Leukocyte adhesion deficiency type II. Last evaluated: 2021-03-30. Review status: criteria provided, single submitter. Criteria: ACMG Guidelines, 2015. Collection method: clinical testing. Allele origin: germline.
Comment: SLC35C1 NM_018389.4 exon 1 p.Cys134Cys (c.402C>T): This variant has not been reported in the literature and is not present in large control databases. Evolutionary conservation and computational predictive tools for this variant are limited or unavailable. Of note, this variant is a silent variant and does not change the amino acid, reducing the probability that this variant is disease causing. In summary, data on this variant is insufficient for disease classification. Therefore, the clinical significance of this variant is uncertain.